The following is an entry in ClinVar:

ClinVar aggregate classification (germline): Uncertain significance (1 of 4 stars; one submission).

Conditions:
BEST1-related disorder. Also called: BEST1-related condition; BEST1-related disorders. Identifiers: MedGen CN239200.

Submission:

PreventionGenetics, part of Exact Sciences
Classification: Uncertain significance for BEST1-related condition. Last evaluated: 2022-10-07. Review status: criteria provided, single submitter. Criteria: ACMG Guidelines, 2015. Collection method: clinical testing. Allele origin: germline.
Comment: The BEST1 c.335G>C variant is predicted to result in the amino acid substitution p.Gly112Ala. To our knowledge, this variant has not been reported in the literature or in a large population database, indicating this variant is rare. At this time, the clinical significance of this variant is uncertain due to the absence of conclusive functional and genetic evidence.

NM_004183.4(BEST1):c.335G>C (p.Gly112Ala)

Gene: BEST1 (bestrophin 1; plus strand). Cytogenetic location: 11q12.3.
Variant type: single nucleotide variant.
Coding change: c.335G>C on transcript NM_004183.4 (MANE Select); coding-DNA position 335, G replaced by C.
Protein change: p.Gly112Ala; replaces glycine 112 with alanine.
Molecular consequence: missense variant. On other transcripts: non-coding transcript variant (1).
Genome position (GRCh38, 1-based): chr11:61,955,805, G>C. VCF-style: chr11-61955805-G-C. GRCh37 (hg19) VCF-style: chr11-61723277-G-C.
Other names: c.155G>C, p.Gly52Ala (NM_001139443.3, NM_001300786.2, NM_001300787.2); c.17G>C, p.Gly6Ala (NM_001363591.3); c.335G>C, p.Gly112Ala (NM_001363592.2); c.-841G>C (NM_001363593.3); short protein forms G112A, G52A, G6A.
Identifiers: ClinVar variation 2632074 (VCV002632074.1), dbSNP rs1941262540, ClinGen allele CA380834437.
Genomic context (GRCh38, chr11:61,955,805, plus strand): 5'-GCTGGTGGAACCAGTACGAGAACCTGCCGTGGCCCGACCGCCTCATGAGCCTGGTGTCGG[G>C]CTTCGTCGAAGGCAAGGACGAGCAAGGCCGGCTGCTGCGGCGCACGCTCATCCGCTACGC-3'
Protein context (NP_004174.1, residues 102-122): WPDRLMSLVS[Gly112Ala]FVEGKDEQGR